The following is an entry in ClinVar:

ClinVar aggregate classification (germline): Uncertain significance (1 of 4 stars; one submission).

Allele frequency attached by ClinVar (database versions not stated): gnomAD 0.00005 and 0.00006; ESP Exome Variant Server 0.00008; ExAC 0.00018.

Submission:

Labcorp Genetics (formerly Invitae), Labcorp
Classification: Uncertain significance. Last evaluated: 2025-06-30. Review status: criteria provided, single submitter. Criteria: Invitae Variant Classification Sherloc (09022015). Collection method: clinical testing. Allele origin: germline.
Comment: This sequence change replaces alanine, which is neutral and non-polar, with threonine, which is neutral and polar, at codon 212 of the TCF3 protein (p.Ala212Thr). The frequency data for this variant in the population databases is considered unreliable, as metrics indicate poor data quality at this position in the gnomAD database. This variant has not been reported in the literature in individuals affected with TCF3-related conditions. ClinVar contains an entry for this variant (Variation ID: 1059370). Invitae Evidence Modeling of protein sequence and biophysical properties (such as structural, functional, and spatial information, amino acid conservation, physicochemical variation, residue mobility, and thermodynamic stability) indicates that this missense variant is not expected to disrupt TCF3 protein function with a negative predictive value of 80%. In summary, the available evidence is currently insufficient to determine the role of this variant in disease. Therefore, it has been classified as a Variant of Uncertain Significance.

NM_003200.5(TCF3):c.634G>A (p.Ala212Thr)

Gene: TCF3 (transcription factor 3; minus strand). Cytogenetic location: 19p13.3.
Variant type: single nucleotide variant.
Coding change: c.634G>A on transcript NM_003200.5 (MANE Select); coding-DNA position 634, G replaced by A.
Protein change: p.Ala212Thr; replaces alanine 212 with threonine.
Molecular consequence: missense variant.
Genome position (GRCh38, 1-based): chr19:1,622,331, C>T on the plus strand (G>A on the coding strand, the complement: TCF3 is on the minus strand). VCF-style: chr19-1622331-C-T. GRCh37 (hg19) VCF-style: chr19-1622330-C-T.
Other names: c.634G>A, p.Ala212Thr (NM_001136139.4, NM_001351778.2, NM_001351779.2); short protein forms A212T.
Identifiers: ClinVar variation 1059370 (VCV001059370.7), dbSNP rs377067150, ClinGen allele CA9050290.